The following is an entry in ClinVar:

NM_002473.6(MYH9):c.3122A>T (p.Lys1041Met)

Gene: MYH9 (myosin heavy chain 9; minus strand). Cytogenetic location: 22q12.3.
Variant type: single nucleotide variant.
Coding change: c.3122A>T on transcript NM_002473.6 (MANE Select); coding-DNA position 3122, A replaced by T.
Protein change: p.Lys1041Met; replaces lysine 1041 with methionine.
Molecular consequence: missense variant.
Genome position (GRCh38, 1-based): chr22:36,296,993, T>A on the plus strand (A>T on the coding strand, the complement: MYH9 is on the minus strand). VCF-style: chr22-36296993-T-A. GRCh37 (hg19) VCF-style: chr22-36693039-T-A.
Other names: short protein forms K1041M.
Identifiers: ClinVar variation 2957418 (VCV002957418.3), dbSNP rs1369361478, ClinGen allele CA411389745.

ClinVar aggregate classification (germline): Uncertain significance (1 of 4 stars; one submission).

Allele frequency attached by ClinVar (database versions not stated): TOPMed below 0.00001.
gnomAD v4.1: 1 of 1,614,124 alleles (0.000062%); no homozygotes.

Submission:

Labcorp Genetics (formerly Invitae), Labcorp
Classification: Uncertain significance. Last evaluated: 2023-02-25. Review status: criteria provided, single submitter. Criteria: Invitae Variant Classification Sherloc (09022015). Collection method: clinical testing. Allele origin: germline.
Comment: In summary, the available evidence is currently insufficient to determine the role of this variant in disease. Therefore, it has been classified as a Variant of Uncertain Significance. Advanced modeling of protein sequence and biophysical properties (such as structural, functional, and spatial information, amino acid conservation, physicochemical variation, residue mobility, and thermodynamic stability) performed at Invitae indicates that this missense variant is not expected to disrupt MYH9 protein function. This variant has not been reported in the literature in individuals affected with MYH9-related conditions. This variant is not present in population databases (gnomAD no frequency). This sequence change replaces lysine, which is basic and polar, with methionine, which is neutral and non-polar, at codon 1041 of the MYH9 protein (p.Lys1041Met).